The following is an entry in ClinVar:

ClinVar aggregate classification (germline): Uncertain significance (1 of 4 stars; one submission).

Conditions:
Hereditary cancer-predisposing syndrome. Also called: Hereditary Cancer Syndrome; Neoplastic Syndromes, Hereditary; Tumor predisposition; Hereditary neoplastic syndrome. Identifiers: Orphanet 140162, MedGen C0027672, MeSH D009386, MONDO:0015356.

Submission:

Ambry Genetics
Classification: Uncertain significance for Hereditary cancer-predisposing syndrome. Last evaluated: 2017-01-16. Review status: criteria provided, single submitter. Criteria: Ambry Variant Classification Scheme 2023. Collection method: clinical testing. Allele origin: germline.
Comment: The p.N709S variant (also known as c.2126A>G), located in coding exon 5 of the PALB2 gene, results from an A to G substitution at nucleotide position 2126. The asparagine at codon 709 is replaced by serine, an amino acid with highly similar properties. This amino acid position is not well conserved in available vertebrate species. In addition, this alteration is predicted to be tolerated by in silico analysis. Since supporting evidence is limited at this time, the clinical significance of this alteration remains unclear.

NM_024675.4(PALB2):c.2126A>G (p.Asn709Ser)

Gene: PALB2 (partner and localizer of BRCA2; minus strand). Cytogenetic location: 16p12.2.
Variant type: single nucleotide variant.
Coding change: c.2126A>G on transcript NM_024675.4 (MANE Select); coding-DNA position 2126, A replaced by G.
Protein change: p.Asn709Ser; replaces asparagine 709 with serine.
Molecular consequence: missense variant.
Genome position (GRCh38, 1-based): chr16:23,630,028, T>C on the plus strand (A>G on the coding strand, the complement: PALB2 is on the minus strand). VCF-style: chr16-23630028-T-C. GRCh37 (hg19) VCF-style: chr16-23641349-T-C.
Other names: short protein forms N709S.
Identifiers: ClinVar variation 480280 (VCV000480280.5), dbSNP rs1555460485, ClinGen allele CA395125744.